The following is an entry in ClinVar:

NM_000548.5(TSC2):c.1946+6C>A

Gene: TSC2 (TSC complex subunit 2; plus strand). Cytogenetic location: 16p13.3.
Variant type: single nucleotide variant.
Coding change: c.1946+6C>A on transcript NM_000548.5 (MANE Select); 6 bases into the intron after coding-DNA position 1946, C replaced by A.
Molecular consequence: intron variant.
Genome position (GRCh38, 1-based): chr16:2,071,622, C>A. VCF-style: chr16-2071622-C-A. GRCh37 (hg19) VCF-style: chr16-2121623-C-A.
Other names: c.1946+6C>A (NM_001114382.3, NM_021055.3, NM_001370405.1 and 3 more transcripts); c.1835+6C>A (NM_001318827.2); c.1346+6C>A (NM_001318831.2); c.1799+6C>A (NM_001318829.2); c.1979+6C>A (NM_001318832.2).
Identifiers: ClinVar variation 467908 (VCV000467908.10), dbSNP rs754069880, ClinGen allele CA658658368.

ClinVar aggregate classification (germline): Uncertain significance (1 of 4 stars; one submission).

Conditions:
Tuberous sclerosis 2 (TSC2). Identifiers: Orphanet 805, MedGen C1860707, MONDO:0013199, OMIM 613254.

Submission:

Labcorp Genetics (formerly Invitae), Labcorp
Classification: Uncertain significance for Tuberous sclerosis 2. Last evaluated: 2022-04-25. Review status: criteria provided, single submitter. Criteria: Invitae Variant Classification Sherloc (09022015). Collection method: clinical testing. Allele origin: germline.
Comment: In summary, the available evidence is currently insufficient to determine the role of this variant in disease. Therefore, it has been classified as a Variant of Uncertain Significance. ClinVar contains an entry for this variant (Variation ID: 467908). This sequence change falls in intron 18 of the TSC2 gene. It does not directly change the encoded amino acid sequence of the TSC2 protein. It affects a nucleotide within the consensus splice site. This variant is not present in population databases (gnomAD no frequency). This variant has not been reported in the literature in individuals affected with TSC2-related conditions. Variants that disrupt the consensus splice site are a relatively common cause of aberrant splicing (PMID: 17576681, 9536098). Algorithms developed to predict the effect of sequence changes on RNA splicing suggest that this variant is not likely to affect RNA splicing.

Literature cited by the submitters: PubMed 17576681; PubMed 9536098.